The following is an entry in ClinVar:

ClinVar aggregate classification (germline): Likely benign. Review status: criteria provided, multiple submitters, no conflicts (2 of 4 stars). 5 submissions from 5 submitters: Likely benign (3). 2 of the submissions do not count toward it. Last evaluated 2025-12-09.

Conditions:
Hypertrophic cardiomyopathy. Also called: HYPERTROPHIC MYOCARDIOPATHY. Identifiers: Orphanet 217569, MedGen C0007194, MeSH D002312, MONDO:0005045, HP:0001639.
Cardiomyopathy (CMYO). Also called: Cardiomyopathies. Identifiers: Orphanet 167848, MedGen C0878544, MONDO:0004994, HP:0001638. Inheritance: Various modes of inheritance.

Allele frequency attached by ClinVar (database versions not stated): gnomAD exomes below 0.00001 and 0.00001; ExAC 0.00001; gnomAD 0.00003.
gnomAD v4.1: 14 of 1,614,148 alleles (0.00087%); highest among the groups gnomAD compares: Non-Finnish European, 0.0012%; no homozygotes.

Submissions (5):

Labcorp Genetics (formerly Invitae), Labcorp
Classification: Likely benign for Hypertrophic cardiomyopathy. Last evaluated: 2025-12-09. Review status: criteria provided, single submitter. Criteria: Invitae Variant Classification Sherloc (09022015). Collection method: clinical testing. Allele origin: germline.

All of Us Research Program, National Institutes of Health
Classification: Likely benign for Hypertrophic cardiomyopathy. Last evaluated: 2023-12-13. Review status: criteria provided, single submitter. Criteria: ACMG Guidelines, 2015. Collection method: clinical testing. Allele origin: germline. Inheritance: Autosomal dominant inheritance. Observed: 2 variant alleles, 2 heterozygotes.
Comment: This study involves interpretation of variants in research participants for the purpose of population health screening. Participant phenotype was not available at the time of variant classification. Additional details can be found in publication PMID: 35346344, PMCID: PMC8962531

Color Diagnostics, LLC DBA Color Health
Classification: Likely benign for Cardiomyopathy. Last evaluated: 2023-07-20. Review status: criteria provided, single submitter. Criteria: ACMG Guidelines, 2015. Collection method: clinical testing. Allele origin: germline.

Clinical Genetics, Academic Medical Center
Classification: Benign. Review status: no assertion criteria provided. Collection method: clinical testing. Allele origin: germline. Affected: yes. Study: VKGL Data-share Consensus. Not counted in ClinVar's aggregate classification.

Diagnostic Laboratory, Department of Genetics, University Medical Center Groningen
Classification: Likely benign. Review status: no assertion criteria provided. Collection method: clinical testing. Allele origin: germline. Affected: yes. Study: VKGL Data-share Consensus. Not counted in ClinVar's aggregate classification.

NM_001018005.2(TPM1):c.241-8C>T

Gene: TPM1 (tropomyosin 1; plus strand). Cytogenetic location: 15q22.2.
Variant type: single nucleotide variant.
Coding change: c.241-8C>T on transcript NM_001018005.2 (MANE Select); 8 bases into the intron before coding-DNA position 241, C replaced by T.
Molecular consequence: intron variant.
Genome position (GRCh38, 1-based): chr15:63,056,977, C>T. VCF-style: chr15-63056977-C-T. GRCh37 (hg19) VCF-style: chr15-63349176-C-T.
Other names: c.367-8C>T (NM_001365778.1); c.241-8C>T (NM_001018020.2, NM_001018007.2, NM_001018006.2 and 6 more transcripts); c.133-8C>T (NM_001330351.2, NM_001330344.2, NM_001018008.2 and 5 more transcripts).
Identifiers: ClinVar variation 525088 (VCV000525088.15), dbSNP rs765893032, ClinGen allele CA028843.